The following is an entry in ClinVar:

NM_000465.4(BARD1):c.1216C>T (p.Arg406Ter)

Gene: BARD1 (BRCA1 associated RING domain 1; minus strand). Cytogenetic location: 2q35.
Variant type: single nucleotide variant.
Coding change: c.1216C>T on transcript NM_000465.4 (MANE Select); coding-DNA position 1216, C replaced by T.
Protein change: p.Arg406Ter; replaces arginine 406 with a stop codon.
Molecular consequence: nonsense. On other transcripts: non-coding transcript variant (2), intron variant (3).
Genome position (GRCh38, 1-based): chr2:214,780,658, G>A on the plus strand (C>T on the coding strand, the complement: BARD1 is on the minus strand). VCF-style: chr2-214780658-G-A. GRCh37 (hg19) VCF-style: chr2-215645382-G-A.
Other names: NP_000456.2:p.Arg406Ter; c.1159C>T, p.Arg387Ter (NM_001282543.2); c.159-28103C>T (NM_001282548.2); c.215+16403C>T (NM_001282545.2); c.364+11639C>T (NM_001282549.2); short protein forms R406*, R387*.
Identifiers: ClinVar variation 229677 (VCV000229677.82), dbSNP rs377153250, ClinGen allele CA2090324.

ClinVar aggregate classification (germline): Pathogenic/Likely pathogenic. Review status: criteria provided, multiple submitters, no conflicts (2 of 4 stars). 20 submissions from 20 submitters: Pathogenic (18); Likely pathogenic (1). 1 of the submissions does not count toward it. Last evaluated 2026-08-11.

Conditions:
Hereditary cancer-predisposing syndrome. Also called: Neoplastic Syndromes, Hereditary; Tumor predisposition; Hereditary Cancer Syndrome; Hereditary neoplastic syndrome. Identifiers: Orphanet 140162, MedGen C0027672, MeSH D009386, MONDO:0015356.
Hereditary breast ovarian cancer syndrome. Also called: Hereditary breast and ovarian cancer syndrome; Hereditary breast and ovarian cancer; Hereditary breast and ovarian cancer syndrome (HBOC); Breast and ovarian cancer; Hereditary breast and/or ovarian cancer syndrome; BRCA1- and BRCA2-Associated Hereditary Breast and Ovarian Cancer. Identifiers: Orphanet 145, MedGen C0677776, MeSH D061325, MONDO:0003582. Disease mechanism: loss of function.
Breast carcinoma. Also called: Carcinoma of breast. Identifiers: MedGen C0678222, MONDO:0004989, HP:0003002.
Inherited breast cancer and ovarian cancer.
Familial cancer of breast. Also called: BREAST CANCER, FAMILIAL; hereditary breast carcinoma; Hereditary breast cancer. Identifiers: Orphanet 227535, MedGen C0346153, MONDO:0016419, OMIM 114480. Disease mechanism: loss of function.

Allele frequency attached by ClinVar (database versions not stated): ExAC 0.00002; TOPMed 0.00002; gnomAD 0.00003.
gnomAD v4.1: 20 of 1,613,904 alleles (0.0012%); highest among the groups gnomAD compares: African/African-American, 0.0027%; no homozygotes.

Submissions 1 to 11 of 21:

Genetics Laboratory, Great Ormond Street Hospital NHS Foundation Trust, North Thames Genomic Laboratory Hub
Classification: Pathogenic for Inherited breast cancer and ovarian cancer. Last evaluated: 2026-08-11. Review status: criteria provided, single submitter. Criteria: CanVIG Consensus Spec V3.0. Collection method: clinical testing. Allele origin: germline. Affected: yes.
Comment: PS4_supporting, PM2_supporting, PVS1_very-strong

Labcorp Genetics (formerly Invitae), Labcorp
Classification: Pathogenic for Familial cancer of breast. Last evaluated: 2025-11-20. Review status: criteria provided, single submitter. Criteria: Invitae Variant Classification Sherloc (09022015). Collection method: clinical testing. Allele origin: germline.
Comment: This sequence change creates a premature translational stop signal (p.Arg406*) in the BARD1 gene. It is expected to result in an absent or disrupted protein product. Loss-of-function variants in BARD1 are known to be pathogenic (PMID: 20077502, 21344236). This variant is present in population databases (rs377153250, gnomAD 0.005%). This premature translational stop signal has been observed in individual(s) with breast cancer (PMID: 28724667). ClinVar contains an entry for this variant (Variation ID: 229677). Studies have shown that this premature translational stop signal is associated with altered splicing resulting in multiple RNA products (internal data). For these reasons, this variant has been classified as Pathogenic.

OLLIN Analises Genomicas, OLLIN
Classification: Pathogenic for Familial cancer of breast. Last evaluated: 2025-03-19. Review status: criteria provided, single submitter. Criteria: ACMG Guidelines 2015 PMID 25741868. Collection method: clinical testing. Allele origin: germline. Affected: yes. Observed: 1 variant allele.
Comment: The nonsense variant (chr2:214780658G>A), located in exon 4 (of 11), is reported in gnomAD v4.1 non-UKB with an allele frequency of 0.001% (10 heterozygotes), in ClinVar (VCV000229677.76) and in the scientific literature in individuals with breast cancer (PMID: 28724667, 31036035, 29625052, 32658311, 31887429, 32832836, 33479248). This variant introduces a premature stop codon, resulting in a truncated protein or mRNA degradation via nonsense-mediated decay (NMD). According to currently available evidence, this variant has been classified as pathogenic (PVS1, PS4).

Ambry Genetics
Classification: Pathogenic for Hereditary cancer-predisposing syndrome. Last evaluated: 2024-10-26. Review status: criteria provided, single submitter. Criteria: Ambry Variant Classification Scheme 2023. Collection method: clinical testing. Allele origin: germline.
Comment: The p.R406* pathogenic mutation (also known as c.1216C>T), located in coding exon 4 of the BARD1 gene, results from a C to T substitution at nucleotide position 1216. This changes the amino acid from an arginine to a stop codon within coding exon 4. This alteration has been seen in multiple breast cancer patients (Akcay IM et al. Int J Cancer, 2021 01;148:285-295; Weber-Lassalle N et al. Breast Cancer Res, 2019 04;21:55; Sun J et al. Clin Cancer Res, 2017 Oct;23:6113-6119). This alteration was also identified in a cohort of 3,579 African males diagnosed with prostate cancer who underwent multi-gene panel testing (Matejcic M et al. JCO Precis Oncol, 2020 Jan;4:32-43). This alteration is expected to result in loss of function by premature protein truncation or nonsense-mediated mRNA decay. As such, this alteration is interpreted as a disease-causing mutation.

GeneDx
Classification: Pathogenic. Last evaluated: 2024-03-29. Review status: criteria provided, single submitter. Criteria: GeneDx Variant Classification Process June 2021. Collection method: clinical testing. Allele origin: germline. Affected: yes.
Comment: Nonsense variant predicted to result in protein truncation or nonsense mediated decay in a gene for which loss of function is a known mechanism of disease; Not observed at significant frequency in large population cohorts (gnomAD); Truncating variants in this gene are considered pathogenic by a well-established clinical consortium and/or database; Identified in individuals with a personal or family history of breast and other cancers (PMID: 28724667, 31036035, 29625052, 32658311, 31887429, 32832836, 33479248); This variant is associated with the following publications: (PMID: 29625052, 32832836, 32658311, 31036035, 31887429, 31371347, 29922827, 33479248, 36744932, 36451132, 36922933, 28724667)

Baylor Genetics
Classification: Pathogenic for Familial cancer of breast. Last evaluated: 2024-03-14. Review status: criteria provided, single submitter. Criteria: ACMG Guidelines, 2015. Collection method: clinical testing. Allele origin: unknown.

Quest Diagnostics Nichols Institute San Juan Capistrano
Classification: Pathogenic. Last evaluated: 2024-01-18. Review status: criteria provided, single submitter. Criteria: Quest Diagnostics criteria. Collection method: clinical testing. Allele origin: unknown.
Comment: The BARD1 c.1216C>T (p.Arg406*) variant causes the premature termination of BARD1 protein synthesis. This variant has been reported in the published literature in individuals with breast cancer (PMID: 33479248 (2021), 33471991 (2021), 32658311 (2021), 31036035 (2019), 28724667 (2017), see also LOVD), esophageal cancer (PMID: 29625052 (2018)), and basal cell carcinoma (PMID: 31887429 (2020)). This variant has also been identified in reportedly healthy individuals (PMID: 33479248 (2021), 33471991 (2021), see also LOVD). The frequency of this variant in the general population, 0.000023 (3/128774 chromosomes (Genome Aggregation Database)), is consistent with pathogenicity. Based on the available information, this variant is classified as pathogenic.

Fulgent Genetics
Classification: Pathogenic for Familial cancer of breast. Last evaluated: 2024-01-01. Review status: criteria provided, single submitter. Criteria: ACMG Guidelines, 2015. Collection method: clinical testing. Allele origin: germline.

CeGaT Center for Human Genetics Tuebingen
Classification: Likely pathogenic. Last evaluated: 2023-08-01. Review status: criteria provided, single submitter. Criteria: CeGaT Center For Human Genetics Tuebingen Variant Classification Criteria Version 2. Collection method: clinical testing. Allele origin: germline. Affected: yes. Observed: 2 variant alleles.
Comment: BARD1: PVS1

KCCC/NGS Laboratory, Kuwait Cancer Control Center
Classification: Pathogenic for Familial cancer of breast. Last evaluated: 2023-07-06. Review status: criteria provided, single submitter. Criteria: ACMG Guidelines, 2015. Collection method: clinical testing. Allele origin: unknown. Inheritance: Autosomal dominant inheritance. Affected: yes. Observed: 1 heterozygote.
Comment: This sequence change creates a premature translational stop signal (p.Arg406*) in the BARD1 gene. It is expected to result in an absent or disrupted protein product. Loss-of-function variants in BARD1 are known to be pathogenic (PMID: 20077502, 21344236). This variant identified in individuals with a personal or family history of breast and other cancers (Sun 2017, Weber-Lassalle 2019, Huang 2018, Akcay 2020, Guo 2020, Matejcic 2020) . This variant is present in population databases (rs377153250, gnomAD 0.005%). This premature translational stop signal has been observed in individual(s) with breast cancer (PMID: 28724667). ClinVar contains an entry for this variant (Variation ID: 229677). Algorithms developed to predict the effect of sequence changes on RNA splicing suggest that this variant may create or strengthen a splice site. For these reasons, this variant has been classified as Pathogenic.

Myriad Genetics, Inc.
Classification: Pathogenic for Familial cancer of breast. Last evaluated: 2023-05-22. Review status: criteria provided, single submitter. Criteria: Myriad Autosomal Dominant, Autosomal Recessive and X-Linked Classification Criteria (2023). Collection method: clinical testing. Allele origin: unknown.
Comment: This variant is considered pathogenic. This variant creates a termination codon and is predicted to result in premature protein truncation.